The following is an entry in ClinVar:

ClinVar aggregate classification (germline): Uncertain significance (1 of 4 stars; one submission).

Submission:

Labcorp Genetics (formerly Invitae), Labcorp
Classification: Uncertain significance. Last evaluated: 2021-02-10. Review status: criteria provided, single submitter. Criteria: Invitae Variant Classification Sherloc (09022015). Collection method: clinical testing. Allele origin: germline.
Comment: In summary, the available evidence is currently insufficient to determine the role of this variant in disease. Therefore, it has been classified as a Variant of Uncertain Significance. Algorithms developed to predict the effect of missense changes on protein structure and function output the following: SIFT: "Tolerated"; PolyPhen-2: "Benign"; Align-GVGD: "Class C0". The lysine amino acid residue is found in multiple mammalian species, suggesting that this missense change does not adversely affect protein function. These predictions have not been confirmed by published functional studies and their clinical significance is uncertain. This variant has not been reported in the literature in individuals with SCLT1-related conditions. This variant is not present in population databases (ExAC no frequency). This sequence change replaces arginine with lysine at codon 302 of the SCLT1 protein (p.Arg302Lys). The arginine residue is moderately conserved and there is a small physicochemical difference between arginine and lysine.

NM_144643.4(SCLT1):c.905G>A (p.Arg302Lys)

Gene: SCLT1 (sodium channel and clathrin linker 1; minus strand). Cytogenetic location: 4q28.2.
Variant type: single nucleotide variant.
Coding change: c.905G>A on transcript NM_144643.4 (MANE Select); coding-DNA position 905, G replaced by A.
Protein change: p.Arg302Lys; replaces arginine 302 with lysine.
Molecular consequence: missense variant.
Genome position (GRCh38, 1-based): chr4:128,959,742, C>T on the plus strand (G>A on the coding strand, the complement: SCLT1 is on the minus strand). VCF-style: chr4-128959742-C-T. GRCh37 (hg19) VCF-style: chr4-129880897-C-T.
Other names: short protein forms R302K.
Identifiers: ClinVar variation 1508761 (VCV001508761.8), dbSNP rs1031527970, ClinGen allele CA358188891.